The following is an entry in ClinVar:

ClinVar aggregate classification (germline): Uncertain significance. Review status: criteria provided, multiple submitters, no conflicts (2 of 4 stars). 3 submissions from 3 submitters: Uncertain significance (3). Last evaluated 2025-06-01.

Conditions:
Achondrogenesis, type IB (ACG1B). Also called: Achondrogenesis Type 1B. Identifiers: Orphanet 932, Orphanet 93298, MedGen C0265274, MONDO:0010966, OMIM 600972.
Atelosteogenesis type II (AO2). Also called: NEONATAL OSSEOUS DYSPLASIA I; Neonatal osseous dysplasia 1; SLC26A2-Related Atelosteogenesis. Identifiers: Orphanet 56304, MedGen C1850554, MONDO:0009727, OMIM 256050.
Diastrophic dysplasia (DTD). Also called: Diastrophic dwarfism. Identifiers: Orphanet 628, MedGen C0220726, MONDO:0009107, OMIM 222600.
Multiple epiphyseal dysplasia type 4 (EDM4). Also called: MULTIPLE EPIPHYSEAL DYSPLASIA WITH BILAYERED PATELLAE; MULTIPLE EPIPHYSEAL DYSPLASIA WITH CLUBFOOT; MULTIPLE EPIPHYSEAL DYSPLASIA, AUTOSOMAL RECESSIVE; Multiple Epiphyseal Dysplasia, Recessive; SLC26A2-Related Multiple Epiphyseal Dysplasia. Identifiers: Orphanet 93307, MedGen C1847593, MONDO:0009189, OMIM 226900.
Inborn genetic diseases. Identifiers: MedGen C0950123, MeSH D030342.

Allele frequency attached by ClinVar (database versions not stated): ExAC 0.00002; gnomAD 0.00003; TOPMed 0.00004; gnomAD exomes 0.00005; ESP Exome Variant Server 0.00008.
gnomAD v4.1: 78 of 1,614,088 alleles (0.0048%); highest among the groups gnomAD compares: Admixed American, 0.01%; no homozygotes.

Submissions (3):

CeGaT Center for Human Genetics Tuebingen
Classification: Uncertain significance. Last evaluated: 2025-06-01. Review status: criteria provided, single submitter. Criteria: CeGaT Center For Human Genetics Tuebingen Variant Classification Criteria Version 2. Collection method: clinical testing. Allele origin: germline. Affected: yes. Observed: 1 variant allele.
Comment: SLC26A2: PM2

Labcorp Genetics (formerly Invitae), Labcorp
Classification: Uncertain significance for Atelosteogenesis type II; Multiple epiphyseal dysplasia type 4; Achondrogenesis, type IB; Diastrophic dysplasia. Last evaluated: 2024-10-29. Review status: criteria provided, single submitter. Criteria: Invitae Variant Classification Sherloc (09022015). Collection method: clinical testing. Allele origin: germline.
Comment: This sequence change replaces valine, which is neutral and non-polar, with alanine, which is neutral and non-polar, at codon 557 of the SLC26A2 protein (p.Val557Ala). This variant is present in population databases (rs370057170, gnomAD 0.007%). This variant has not been reported in the literature in individuals affected with SLC26A2-related conditions. ClinVar contains an entry for this variant (Variation ID: 2189537). Invitae Evidence Modeling of protein sequence and biophysical properties (such as structural, functional, and spatial information, amino acid conservation, physicochemical variation, residue mobility, and thermodynamic stability) indicates that this missense variant is not expected to disrupt SLC26A2 protein function with a negative predictive value of 80%. In summary, the available evidence is currently insufficient to determine the role of this variant in disease. Therefore, it has been classified as a Variant of Uncertain Significance.

Ambry Genetics
Classification: Uncertain significance for Inborn genetic diseases. Last evaluated: 2024-07-07. Review status: criteria provided, single submitter. Criteria: Ambry Variant Classification Scheme 2023. Collection method: clinical testing. Allele origin: germline.

NM_000112.4(SLC26A2):c.1670T>C (p.Val557Ala)

Gene: SLC26A2 (solute carrier family 26 member 2; plus strand). Cytogenetic location: 5q32.
Variant type: single nucleotide variant.
Coding change: c.1670T>C on transcript NM_000112.4 (MANE Select); coding-DNA position 1670, T replaced by C.
Protein change: p.Val557Ala; replaces valine 557 with alanine.
Molecular consequence: missense variant.
Genome position (GRCh38, 1-based): chr5:149,981,263, T>C. VCF-style: chr5-149981263-T-C. GRCh37 (hg19) VCF-style: chr5-149360826-T-C.
Other names: short protein forms V557A.
Identifiers: ClinVar variation 2189537 (VCV002189537.12), dbSNP rs370057170, ClinGen allele CA3505474.